The following is an entry in ClinVar:

NM_000143.4(FH):c.2T>A (p.Met1Lys)

Gene: FH (fumarate hydratase; minus strand). Cytogenetic location: 1q43.
Variant type: single nucleotide variant.
Coding change: c.2T>A on transcript NM_000143.4 (MANE Select); coding-DNA position 2, T replaced by A.
Protein change: p.Met1Lys; changes the start codon (methionine 1).
Molecular consequence: missense variant, initiator codon variant.
Genome position (GRCh38, 1-based): chr1:241,519,721, A>T on the plus strand (T>A on the coding strand, the complement: FH is on the minus strand). VCF-style: chr1-241519721-A-T. GRCh37 (hg19) VCF-style: chr1-241683021-A-T.
Other names: c.2T>A (NM_000143.3); short protein forms M1K.
Identifiers: ClinVar variation 1067423 (VCV001067423.11), dbSNP rs201261794, ClinGen allele CA40338164.

ClinVar aggregate classification (germline): Conflicting classifications of pathogenicity. Review status: criteria provided, conflicting classifications (1 of 4 stars). 2 submissions from 2 submitters: Likely pathogenic (1); Uncertain significance (1). Last evaluated 2025-10-26.

Conditions:
Hereditary cancer-predisposing syndrome. Also called: Hereditary neoplastic syndrome; Tumor predisposition; Hereditary Cancer Syndrome; Neoplastic Syndromes, Hereditary. Identifiers: Orphanet 140162, MedGen C0027672, MeSH D009386, MONDO:0015356.

Submissions (2):

Labcorp Genetics (formerly Invitae), Labcorp
Classification: Likely pathogenic. Last evaluated: 2025-10-26. Review status: criteria provided, single submitter. Criteria: Invitae Variant Classification Sherloc (09022015). Collection method: clinical testing. Allele origin: germline.
Comment: This sequence change affects the initiator codon of the FH mRNA. This change may impact translation initiation or efficiency. The next in-frame methionine is located at codon 44. FH has two initiator codons, p.Met1 and p.Met44, which result in two different functional isoforms that localize to the mitochondria and cytosol, respectively (PMID: 21929734, 27037871). Loss-of-function variants in FH are known to be pathogenic (PMID: 11865300, 21398687). Variants affecting the mitochondrial isoform confer risk for fumarate hydratase deficiency, while variants that affect the cytosolic isoform confer risk for FH tumor predisposition syndrome. This variant is not present in population databases (gnomAD no frequency). Disruption of the initiator codon has been observed in individual(s) with uterine leiomyosarcoma (PMID: 39150540). ClinVar contains an entry for this variant (Variation ID: 1067423). This variant disrupts the mitochondria-targeting sequence (MTS) of the FH protein, which is important for protein import into the mitochondria (PMID: 27037871). This suggests that disruption of this region is causative of fumarate hydratase deficiency. In summary, the currently available evidence indicates that the variant is pathogenic, but additional data are needed to prove that conclusively. Therefore, this variant has been classified as Likely Pathogenic for autosomal recessive fumarate hydratase deficiency. However, this variant is not likely to confer risk for autosomal dominant FH tumor predisposition syndrome.

Ambry Genetics
Classification: Uncertain significance for Hereditary cancer-predisposing syndrome. Last evaluated: 2025-06-09. Review status: criteria provided, single submitter. Criteria: Ambry Variant Classification Scheme 2023. Collection method: clinical testing. Allele origin: germline.
Comment: The p.M1? variant (also known as c.2T>A), located in coding exon 1 of the FH gene, results from a T to A substitution at nucleotide position 2. This alters the methionine residue at the initiation codon. Variations that modify the initiation codon (ATG) are expected to result in either loss of translation initiation, N-terminal truncation, or cause a shift in the mRNA reading frame; however, there is an alternate in-frame methionine 44 amino acids from the initiation site. Proteins initiated from the first methionine are targeted to the mitochondrion while proteins initiated from the second methionine are targeted to the cytoplasm due to the lack of the mitochondrial targeting sequence encoded between them (Dik E et al. Traffic, 2016 Jul;17:720-32, Magrane M et al., Database (Oxford) 2011; bar009). Data suggest that it is the cytoplasmic protein that conveys the tumor suppressor function of FH (Yogev O et al. PLoS Biol., 2010 Mar;8:e1000328). This nucleotide position is highly conserved in available vertebrate species. Since supporting evidence is limited at this time, the clinical significance of this alteration remains unclear.

Literature cited by the submitters: PubMed 21929734 (cited by Labcorp Genetics (formerly Invitae), Labcorp); PubMed 27037871 (cited by Labcorp Genetics (formerly Invitae), Labcorp); PubMed 11865300 (cited by Labcorp Genetics (formerly Invitae), Labcorp); PubMed 21398687 (cited by Labcorp Genetics (formerly Invitae), Labcorp); PubMed 39150540 (cited by Labcorp Genetics (formerly Invitae), Labcorp).